The following is an entry in ClinVar:

NM_001127511.3(APC):c.-131_-130insT

Gene: APC (APC regulator of Wnt signaling pathway; plus strand). Cytogenetic location: 5q22.2.
Variant type: Insertion.
Coding change: c.-131_-130insT on transcript NM_001127511.3; 131 bases upstream of the start codon through 130 bases upstream of the start codon, T inserted.
Molecular consequence: 5 prime UTR variant. On other transcripts: non-coding transcript variant (2).
Genome position: GRCh38 VCF-style: chr5-112707587-G-GT. GRCh37 (hg19) VCF-style: chr5-112043284-G-GT.
Other names: c.-314_-313insT (NM_001354895.2, NM_001407447.1, NM_001407452.1 and 3 more transcripts); c.-131_-130insT (NM_001354897.2, NM_001354902.2, NM_001407446.1); c.-81_-80insT (NM_001407448.1, NM_001407450.1, NM_001407457.1 and 1 more transcripts); c.-105_-104insT (NM_001407453.1); c.-1349_-1348insT (NM_001407470.1, NM_001407472.1).
Identifiers: ClinVar variation 1003226 (VCV001003226.7), dbSNP rs1750583446, ClinGen allele CA1573442496.
Genomic context (GRCh38, chr5:112,707,587, plus strand): 5'-TGGCGGAGGGCAAGTAGCAAGGGGGCGGGGTGTGGCCGCCGGAAGCCTAGCCGCTGCTCG[G>GT]GGGGGACCTGCGGGCTCAGGCCCGGGAGCTGCGGACCGAGGTTGGCTCGATGCTGTTCCC-3'

ClinVar aggregate classification (germline): Uncertain significance (1 of 4 stars; one submission).

Conditions:
Familial adenomatous polyposis 1 (FAP1). Also called: FAMILIAL ADENOMATOUS POLYPOSIS 1, ATTENUATED; POLYPOSIS, ADENOMATOUS INTESTINAL. Identifiers: MedGen C2713442, MONDO:0021056, OMIM 175100. Disease mechanism: loss of function.

Allele frequency attached by ClinVar (database versions not stated): gnomAD exomes below 0.00001.

Submission:

Labcorp Genetics (formerly Invitae), Labcorp
Classification: Uncertain significance for Familial adenomatous polyposis 1. Last evaluated: 2024-11-04. Review status: criteria provided, single submitter. Criteria: Invitae Variant Classification Sherloc (09022015). Collection method: clinical testing. Allele origin: germline.
Comment: This variant occurs in a non-coding region of the APC gene. It does not change the encoded amino acid sequence of the APC protein. This variant is not present in population databases (gnomAD no frequency). This variant has not been reported in the literature in individuals affected with APC-related conditions. Experimental studies and prediction algorithms are not available or were not evaluated, and the functional significance of this variant is currently unknown. In summary, the available evidence is currently insufficient to determine the role of this variant in disease. Therefore, it has been classified as a Variant of Uncertain Significance.